The following is an entry in ClinVar:

NM_001378418.1(TCF20):c.1974AGG[3] (p.Gly662del)

Gene: TCF20 (transcription factor 20; minus strand). Cytogenetic location: 22q13.2.
Variant type: Microsatellite.
Coding change: c.1974AGG[3] on transcript NM_001378418.1 (MANE Select); three copies in a row of the 3-base unit AGG starting at c.1974; the reference has four copies in a row; one copy, 3 bases deleted.
Protein change: p.Gly662del; deletes glycine 662.
Molecular consequence: inframe deletion.
Genome position (GRCh38, 1-based): chr22:42,213,321-42,213,323, CCT deleted on the plus strand (AGG on the coding strand, the reverse complement: TCF20 is on the minus strand); deleting any 3 consecutive bases within chr22:42,213,321-42,213,332 gives the same sequence; the position shown is the placement nearest the transcript's 3' end. VCF-style (leftmost placement, unchanged base first): chr22-42213320-CCCT-C. GRCh37 (hg19) VCF-style: chr22-42609326-CCCT-C.
Other names: c.1974AGG[3], p.Gly662del (NM_005650.4, NM_181492.3); short protein forms G662del.
Identifiers: ClinVar variation 2695295 (VCV002695295.3), dbSNP rs1468586244, ClinGen allele CA2697552796.

ClinVar aggregate classification (germline): Uncertain significance (1 of 4 stars; one submission).

Submission:

Labcorp Genetics (formerly Invitae), Labcorp
Classification: Uncertain significance. Last evaluated: 2023-11-12. Review status: criteria provided, single submitter. Criteria: Invitae Variant Classification Sherloc (09022015). Collection method: clinical testing. Allele origin: germline.
Comment: This variant, c.1983_1985del, results in the deletion of 1 amino acid(s) of the TCF20 protein (p.Gly662del), but otherwise preserves the integrity of the reading frame. This variant is not present in population databases (gnomAD no frequency). This variant has not been reported in the literature in individuals affected with TCF20-related conditions. Experimental studies and prediction algorithms are not available or were not evaluated, and the functional significance of this variant is currently unknown. In summary, the available evidence is currently insufficient to determine the role of this variant in disease. Therefore, it has been classified as a Variant of Uncertain Significance.